The following is an entry in ClinVar:

ClinVar aggregate classification (germline): Uncertain significance (1 of 4 stars; one submission).

Conditions:
TNC-related disorder. Also called: TNC-related condition.

gnomAD v4.1: 3 of 1,613,784 alleles (0.00019%); highest among the groups gnomAD compares: East Asian, 0.0045%; no homozygotes.

Submission:

PreventionGenetics, part of Exact Sciences
Classification: Uncertain significance for TNC-related condition. Last evaluated: 2025-07-24. Review status: criteria provided, single submitter. Criteria: ACMG Guidelines, 2015. Collection method: clinical testing. Allele origin: germline.
Comment: The TNC c.1226C>T variant is predicted to result in the amino acid substitution p.Pro409Leu. To our knowledge, this variant has not been reported in the literature. This variant is reported in 0.0054% of alleles in individuals of East Asian descent in gnomAD. At this time, the clinical significance of this variant is uncertain due to the absence of conclusive functional and genetic evidence.

NM_002160.4(TNC):c.1226C>T (p.Pro409Leu)

Gene: TNC (tenascin C; minus strand). Cytogenetic location: 9q33.1.
Variant type: single nucleotide variant.
Coding change: c.1226C>T on transcript NM_002160.4 (MANE Select); coding-DNA position 1226, C replaced by T.
Protein change: p.Pro409Leu; replaces proline 409 with leucine.
Molecular consequence: missense variant.
Genome position (GRCh38, 1-based): chr9:115,086,505, G>A on the plus strand (C>T on the coding strand, the complement: TNC is on the minus strand). VCF-style: chr9-115086505-G-A. GRCh37 (hg19) VCF-style: chr9-117848784-G-A.
Other names: c.1226C>T, p.Pro409Leu (NM_001439079.1, NM_001439080.1, NM_001439081.1 and 35 more transcripts); short protein forms P409L.
Identifiers: ClinVar variation 4987570 (VCV004987570.1).